The following is an entry in ClinVar:

ClinVar aggregate classification (germline): Conflicting classifications of pathogenicity. Review status: criteria provided, conflicting classifications (1 of 4 stars). 4 submissions from 4 submitters: Uncertain significance (1); Likely benign (3). Last evaluated 2025-06-18.

Conditions:
Hereditary cancer-predisposing syndrome. Also called: Tumor predisposition; Hereditary Cancer Syndrome; Hereditary neoplastic syndrome; Neoplastic Syndromes, Hereditary. Identifiers: Orphanet 140162, MedGen C0027672, MeSH D009386, MONDO:0015356.
Microcephaly, normal intelligence and immunodeficiency (NBS). Also called: IMMUNODEFICIENCY, MICROCEPHALY, AND CHROMOSOMAL INSTABILITY; SEEMANOVA SYNDROME II; Nijmegen breakage syndrome; Microcephaly with normal intelligence immunodeficiency and lymphoreticular malignancies; Nonsyndromal microcephaly autosomal recessive with normal intelligence; Seemanova syndrome 2. Identifiers: Orphanet 647, MedGen C0398791, MONDO:0009623, OMIM 251260.

Allele frequency attached by ClinVar (database versions not stated): gnomAD 0.00001; gnomAD exomes 0.00001; TOPMed 0.00001.
gnomAD v4.1: 17 of 1,613,842 alleles (0.0011%); highest among the groups gnomAD compares: Admixed American, 0.0033%; no homozygotes.

Submissions (4):

Quest Diagnostics Nichols Institute San Juan Capistrano
Classification: Uncertain significance. Last evaluated: 2025-06-18. Review status: criteria provided, single submitter. Criteria: Quest Diagnostics criteria. Collection method: clinical testing. Allele origin: unknown.
Comment: The NBN c.1122A>G (p.Thr374=) synonymous variant has not been reported in individuals with NBN-related conditions in the published literature. The frequency of this variant in the general population (Genome Aggregation Database) is uninformative in the assessment of its pathogenicity. Analysis of this variant using software algorithms for the prediction of the effect of nucleotide changes on splicing yielded predictions that this variant may affect proper NBN mRNA splicing. Based on the available information, we are unable to determine the clinical significance of this variant.

Labcorp Genetics (formerly Invitae), Labcorp
Classification: Likely benign for Microcephaly, normal intelligence and immunodeficiency. Last evaluated: 2025-03-10. Review status: criteria provided, single submitter. Criteria: Invitae Variant Classification Sherloc (09022015). Collection method: clinical testing. Allele origin: germline.

GeneDx
Classification: Likely benign. Last evaluated: 2018-06-15. Review status: criteria provided, single submitter. Criteria: GeneDx Variant Classification Process June 2021. Collection method: clinical testing. Allele origin: germline. Affected: yes.

Ambry Genetics
Classification: Likely benign for Hereditary cancer-predisposing syndrome. Last evaluated: 2015-09-30. Review status: criteria provided, single submitter. Criteria: Ambry Variant Classification Scheme 2023. Collection method: clinical testing. Allele origin: germline.

NM_002485.5(NBN):c.1122A>G (p.Thr374=)

Gene: NBN (nibrin; minus strand). Cytogenetic location: 8q21.3.
Variant type: single nucleotide variant.
Coding change: c.1122A>G on transcript NM_002485.5 (MANE Select); coding-DNA position 1122, A replaced by G.
Protein change: p.Thr374=; no amino-acid change (threonine 374 retained).
Molecular consequence: synonymous variant.
Genome position (GRCh38, 1-based): chr8:89,958,727, T>C on the plus strand (A>G on the coding strand, the complement: NBN is on the minus strand). VCF-style: chr8-89958727-T-C. GRCh37 (hg19) VCF-style: chr8-90970955-T-C.
Other names: c.876A>G, p.Thr292= (NM_001024688.3).
Identifiers: ClinVar variation 234206 (VCV000234206.19), dbSNP rs876660925, ClinGen allele CA10578770.